The following is an entry in ClinVar:

ClinVar aggregate classification (germline): Pathogenic. Review status: criteria provided, multiple submitters, no conflicts (2 of 4 stars). 2 submissions from 2 submitters: Pathogenic (2). Last evaluated 2025-09-25.

Conditions:
Asphyxiating thoracic dystrophy 3. Also called: SHORT-RIB THORACIC DYSPLASIA 3 WITH OR WITHOUT POLYDACTYLY; POLYDACTYLY WITH NEONATAL CHONDRODYSTROPHY, TYPE I; SHORT-RIB THORACIC DYSPLASIA 3/6 WITH POLYDACTYLY, DIGENIC; Short rib polydactyly syndrome 2B; Saldino-Noonan Syndrome. Identifiers: Orphanet 474, Orphanet 93269, Orphanet 93270, Orphanet 93271, MedGen C0036069, MONDO:0013127, OMIM 613091.
Jeune thoracic dystrophy. Also called: Jeune syndrome; Infantile thoracic dystrophy; Thoracic pelvic phalangeal dystrophy; Jeune's syndrome; Chondroectodermal dysplasia-like syndrome; Short-rib thoracic dysplasia. Identifiers: Orphanet 474, MedGen C0265275, MONDO:0018770.

Submissions (2):

Myriad Genetics, Inc.
Classification: Pathogenic for Asphyxiating thoracic dystrophy 3. Last evaluated: 2025-09-25. Review status: criteria provided, single submitter. Criteria: Myriad Autosomal Dominant, Autosomal Recessive and X-Linked Classification Criteria (2023). Collection method: clinical testing. Allele origin: unknown.
Comment: NM_001377.2(DYNC2H1):c.9421delG(V3141Yfs*22) is expected to be pathogenic in the context of DYNC2H1-related disorders. This variant is predicted to lead to an abnormal or absent protein product due to the creation of a premature termination codon in DYNC2H1, a gene where loss-of-function variants are known to be pathogenic. Please note: this variant was assessed in the context of healthy population screening.

Labcorp Genetics (formerly Invitae), Labcorp
Classification: Pathogenic for Jeune thoracic dystrophy. Last evaluated: 2023-01-06. Review status: criteria provided, single submitter. Criteria: Invitae Variant Classification Sherloc (09022015). Collection method: clinical testing. Allele origin: germline.
Comment: For these reasons, this variant has been classified as Pathogenic. This sequence change creates a premature translational stop signal (p.Val3141Tyrfs*22) in the DYNC2H1 gene. It is expected to result in an absent or disrupted protein product. Loss-of-function variants in DYNC2H1 are known to be pathogenic (PMID: 23339108, 32753734). This variant is present in population databases (rs758391090, gnomAD 0.007%). This variant has not been reported in the literature in individuals affected with DYNC2H1-related conditions. Algorithms developed to predict the effect of sequence changes on RNA splicing suggest that this variant may disrupt the consensus splice site.

Literature cited by the submitters: PubMed 23339108 (cited by Labcorp Genetics (formerly Invitae), Labcorp); PubMed 32753734 (cited by Labcorp Genetics (formerly Invitae), Labcorp).

NM_001377.3(DYNC2H1):c.9421del (p.Val3141fs)

Gene: DYNC2H1 (dynein cytoplasmic 2 heavy chain 1; plus strand). Cytogenetic location: 11q22.3.
Variant type: Deletion.
Coding change: c.9421del on transcript NM_001377.3 (MANE Select); coding-DNA position 9421, one base deleted (G; older notation c.9421delG).
Protein change: p.Val3141fs; shifts the reading frame from valine 3141.
Molecular consequence: frameshift variant.
Genome position (GRCh38, 1-based): chr11:103,231,327, G deleted; the last of 2 consecutive G bases (chr11:103,231,326-103,231,327); deleting either gives the same sequence. VCF-style (leftmost placement, unchanged base first): chr11-103231325-AG-A. GRCh37 (hg19) VCF-style: chr11-103102054-AG-A.
Other names: c.9421del, p.Val3141fs (NM_001080463.2); short protein forms V3141fs.
Identifiers: ClinVar variation 2884195 (VCV002884195.4), dbSNP rs758391090, ClinGen allele CA6254681.